The following is an entry in ClinVar:

ClinVar aggregate classification (germline): Benign. Review status: criteria provided, multiple submitters, no conflicts (2 of 4 stars). 6 submissions from 6 submitters: Benign (5). 1 of the submissions does not count toward it. Last evaluated 2026-09-01.

Conditions:
LMF1-related disorder. Also called: LMF1-related condition.
Cardiovascular phenotype. Identifiers: MedGen CN230736.

Allele frequency attached by ClinVar (database versions not stated): gnomAD 0.00116 and 0.00230; TOPMed 0.00215; gnomAD exomes 0.00272 and 0.00687; ExAC 0.00689; 1000 Genomes Project 30x 0.00953; 1000 Genomes Project 0.01138.
gnomAD v4.1: 4,351 of 1,604,664 alleles (0.27%); highest among the groups gnomAD compares: South Asian, 3.1%; 87 homozygotes.

Submissions (6):

CeGaT Center for Human Genetics Tuebingen
Classification: Benign. Last evaluated: 2026-09-01. Review status: criteria provided, single submitter. Criteria: CeGaT Center For Human Genetics Tuebingen Variant Classification Criteria Version 2. Collection method: clinical testing. Allele origin: germline. Affected: yes. Observed: 2 variant alleles.
Comment: LMF1: PP3, BS1, BS2

Labcorp Genetics (formerly Invitae), Labcorp
Classification: Benign. Last evaluated: 2026-01-27. Review status: criteria provided, single submitter. Criteria: Invitae Variant Classification Sherloc (09022015). Collection method: clinical testing. Allele origin: germline.

Ambry Genetics
Classification: Benign for Cardiovascular phenotype. Last evaluated: 2020-07-27. Review status: criteria provided, single submitter. Criteria: Ambry Variant Classification Scheme 2023. Collection method: clinical testing. Allele origin: germline.

GeneDx
Classification: Benign. Last evaluated: 2020-05-05. Review status: criteria provided, single submitter. Criteria: GeneDx Variant Classification Process June 2021. Collection method: clinical testing. Allele origin: germline. Affected: yes.
Comment: This variant is associated with the following publications: (PMID: 30795984)

Breakthrough Genomics
Classification: Benign. Review status: criteria provided, single submitter. Criteria: ACMG Guidelines, 2015. Collection method: not provided. Allele origin: germline. Inheritance: Autosomal recessive inheritance. Affected: yes.

PreventionGenetics, part of Exact Sciences
Classification: Benign for LMF1-related condition. Last evaluated: 2019-04-25. Review status: no assertion criteria provided. Collection method: clinical testing. Allele origin: germline. Not counted in ClinVar's aggregate classification.
Comment: This variant is classified as benign based on ACMG/AMP sequence variant interpretation guidelines (Richards et al. 2015 PMID: 25741868, with internal and published modifications).

Literature cited by the submitters: PubMed 30037590 (cited by Ambry Genetics); PubMed 30795984 (cited by Ambry Genetics).

NM_022773.4(LMF1):c.1233-5G>A

Gene: LMF1 (lipase maturation factor 1; minus strand). Cytogenetic location: 16p13.3.
Variant type: single nucleotide variant.
Coding change: c.1233-5G>A on transcript NM_022773.4 (MANE Select); 5 bases into the intron before coding-DNA position 1233, G replaced by A.
Molecular consequence: intron variant.
Genome position (GRCh38, 1-based): chr16:870,071, C>T on the plus strand (G>A on the coding strand, the complement: LMF1 is on the minus strand). VCF-style: chr16-870071-C-T. GRCh37 (hg19) VCF-style: chr16-920071-C-T.
Other names: c.906-5G>A (NM_001352019.2); c.582-5G>A (NM_001352017.2, NM_001352021.2); c.834-5G>A (NM_001352018.2); c.1233-5G>A (NM_001352020.1).
Identifiers: ClinVar variation 791407 (VCV000791407.20), dbSNP rs200343204, ClinGen allele CA7797095.